The following is an entry in ClinVar:

NM_001355436.2(SPTB):c.2576C>T (p.Ala859Val)

Gene: SPTB (spectrin beta, erythrocytic; minus strand). Cytogenetic location: 14q23.3.
Variant type: single nucleotide variant.
Coding change: c.2576C>T on transcript NM_001355436.2 (MANE Select); coding-DNA position 2576, C replaced by T.
Protein change: p.Ala859Val; replaces alanine 859 with valine.
Molecular consequence: missense variant.
Genome position (GRCh38, 1-based): chr14:64,793,087, G>A on the plus strand (C>T on the coding strand, the complement: SPTB is on the minus strand). VCF-style: chr14-64793087-G-A. GRCh37 (hg19) VCF-style: chr14-65259805-G-A.
Other names: c.2576C>T, p.Ala859Val (NM_001024858.4, NM_001355437.2); short protein forms A859V.
Identifiers: ClinVar variation 3717606 (VCV003717606.2).

ClinVar aggregate classification (germline): Uncertain significance (1 of 4 stars; one submission).

gnomAD v4.1: 12 of 1,613,958 alleles (0.00074%); highest among the groups gnomAD compares: Admixed American, 0.02%; no homozygotes.

Submission:

Labcorp Genetics (formerly Invitae), Labcorp
Classification: Uncertain significance. Last evaluated: 2024-08-15. Review status: criteria provided, single submitter. Criteria: Invitae Variant Classification Sherloc (09022015). Collection method: clinical testing. Allele origin: germline.
Comment: This sequence change replaces alanine, which is neutral and non-polar, with valine, which is neutral and non-polar, at codon 859 of the SPTB protein (p.Ala859Val). This variant is present in population databases (no rsID available, gnomAD 0.02%). This variant has not been reported in the literature in individuals affected with SPTB-related conditions. An algorithm developed to predict the effect of missense changes on protein structure and function (PolyPhen-2) suggests that this variant is likely to be disruptive. In summary, the available evidence is currently insufficient to determine the role of this variant in disease. Therefore, it has been classified as a Variant of Uncertain Significance.